The following is an entry in ClinVar:

NM_005879.3(TRAIP):c.989C>T (p.Ser330Phe)

Gene: TRAIP (TRAF interacting protein; minus strand). Cytogenetic location: 3p21.31.
Variant type: single nucleotide variant.
Coding change: c.989C>T on transcript NM_005879.3 (MANE Select); coding-DNA position 989, C replaced by T.
Protein change: p.Ser330Phe; replaces serine 330 with phenylalanine.
Molecular consequence: missense variant.
Genome position (GRCh38, 1-based): chr3:49,831,964, G>A on the plus strand (C>T on the coding strand, the complement: TRAIP is on the minus strand). VCF-style: chr3-49831964-G-A. GRCh37 (hg19) VCF-style: chr3-49869397-G-A.
Other names: c.989C>T (NM_005879.2); short protein forms S330F.
Identifiers: ClinVar variation 1988898 (VCV001988898.5), dbSNP rs777634395, ClinGen allele CA2407634.
Genomic context (GRCh38, chr3:49,831,964, plus strand): 5'-ACTATCACTCACTGTGACTTCTCTAGGCAAAGTTTTTCGTAGTAACCATGCTGGGAGCTG[G>A]AGGGCCGGGCTGGGGGAGTATCCACATCAAAGGTAGCATTGAGATCAATATCATCACGGA-3'
Protein context (NP_005870.2, residues 320-340): FDVDTPPARP[Ser330Phe]SSQHGYYEKL

ClinVar aggregate classification (germline): Uncertain significance. Review status: criteria provided, multiple submitters, no conflicts (2 of 4 stars). 3 submissions from 3 submitters: Uncertain significance (3). Last evaluated 2025-06-07.

Conditions:
Inborn genetic diseases. Identifiers: MedGen C0950123, MeSH D030342.
Seckel syndrome 9 (SCKL9). Identifiers: Orphanet 808, MedGen C4225212, MONDO:0014767, OMIM 616777.

Allele frequency attached by ClinVar (database versions not stated): gnomAD 0.00001; gnomAD exomes 0.00002; ExAC 0.00003; TOPMed 0.00003.
gnomAD v4.1: 15 of 1,604,168 alleles (0.00094%); highest among the groups gnomAD compares: Admixed American, 0.026%; no homozygotes.

Submissions (3):

Ambry Genetics
Classification: Uncertain significance for Inborn genetic diseases. Last evaluated: 2025-06-07. Review status: criteria provided, single submitter. Criteria: Ambry Variant Classification Scheme 2023. Collection method: clinical testing. Allele origin: germline.

Labcorp Genetics (formerly Invitae), Labcorp
Classification: Uncertain significance. Last evaluated: 2022-05-28. Review status: criteria provided, single submitter. Criteria: Invitae Variant Classification Sherloc (09022015). Collection method: clinical testing. Allele origin: germline.
Comment: This sequence change replaces serine, which is neutral and polar, with phenylalanine, which is neutral and non-polar, at codon 330 of the TRAIP protein (p.Ser330Phe). This variant is present in population databases (rs777634395, gnomAD 0.03%). This variant has not been reported in the literature in individuals affected with TRAIP-related conditions. Algorithms developed to predict the effect of missense changes on protein structure and function (SIFT, PolyPhen-2, Align-GVGD) all suggest that this variant is likely to be tolerated. In summary, the available evidence is currently insufficient to determine the role of this variant in disease. Therefore, it has been classified as a Variant of Uncertain Significance.

Revvity Omics, Revvity
Classification: Uncertain significance for Seckel syndrome 9. Last evaluated: 2020-01-04. Review status: criteria provided, single submitter. Criteria: ACMG Guidelines, 2015. Collection method: clinical testing. Allele origin: germline.